The following is an entry in ClinVar:

ClinVar aggregate classification (germline): Uncertain significance. Review status: criteria provided, multiple submitters, no conflicts (2 of 4 stars). 3 submissions from 3 submitters: Uncertain significance (3). Last evaluated 2025-08-03.

Conditions:
Inborn genetic diseases. Identifiers: MedGen C0950123, MeSH D030342.
Genitopatellar syndrome (GTPTS). Also called: Genitopatellar syndrome (GPS); ABSENT PATELLAE, SCROTAL HYPOPLASIA, RENAL ANOMALIES, FACIAL DYSMORPHISM, AND MENTAL RETARDATION. Identifiers: Orphanet 85201, MedGen C1853566, MONDO:0011640, OMIM 606170.

Allele frequency attached by ClinVar (database versions not stated): gnomAD exomes below 0.00001 and 0.00002; ExAC 0.00001; TOPMed 0.00001; gnomAD 0.00002.
gnomAD v4.1: 28 of 1,568,878 alleles (0.0018%); highest among the groups gnomAD compares: Non-Finnish European, 0.0024%; no homozygotes.

Submissions (3):

Ambry Genetics
Classification: Uncertain significance for Inborn genetic diseases. Last evaluated: 2025-08-03. Review status: criteria provided, single submitter. Criteria: Ambry Variant Classification Scheme 2023. Collection method: clinical testing. Allele origin: germline.

Labcorp Genetics (formerly Invitae), Labcorp
Classification: Uncertain significance for Genitopatellar syndrome. Last evaluated: 2025-04-18. Review status: criteria provided, single submitter. Criteria: Invitae Variant Classification Sherloc (09022015). Collection method: clinical testing. Allele origin: germline.
Comment: This sequence change replaces glutamic acid, which is acidic and polar, with glycine, which is neutral and non-polar, at codon 1098 of the KAT6B protein (p.Glu1098Gly). The frequency data for this variant in the population databases is considered unreliable, as metrics indicate poor data quality at this position in the gnomAD database. This variant has not been reported in the literature in individuals affected with KAT6B-related conditions. ClinVar contains an entry for this variant (Variation ID: 811719). Invitae Evidence Modeling of protein sequence and biophysical properties (such as structural, functional, and spatial information, amino acid conservation, physicochemical variation, residue mobility, and thermodynamic stability) indicates that this missense variant is not expected to disrupt KAT6B protein function with a negative predictive value of 80%. In summary, the available evidence is currently insufficient to determine the role of this variant in disease. Therefore, it has been classified as a Variant of Uncertain Significance.

ARUP Laboratories, Molecular Genetics and Genomics, ARUP Laboratories
Classification: Uncertain significance. Last evaluated: 2018-08-07. Review status: criteria provided, single submitter. Criteria: ARUP Molecular Germline Variant Investigation Process. Collection method: clinical testing. Allele origin: germline.
Comment: The KAT6B c.3293A>G; p.Glu1098Gly variant (rs774138994), to our knowledge, is not reported in the medical literature or gene specific databases. This variant is found in the non-Finnish European population with an overall allele frequency of 0.002% (2/106630 alleles) in the Genome Aggregation Database. The glutamate at codon 1098 is weakly conserved and computational analyses (SIFT: damaging, PolyPhen-2: benign) predict conflicting effects of this variant on protein structure/function. However, due to limited information, the clinical significance of the p.Glu1098Gly variant is uncertain at this time.

NM_012330.4(KAT6B):c.3293A>G (p.Glu1098Gly)

Gene: KAT6B (lysine acetyltransferase 6B; plus strand). Cytogenetic location: 10q22.2.
Variant type: single nucleotide variant.
Coding change: c.3293A>G on transcript NM_012330.4 (MANE Select); coding-DNA position 3293, A replaced by G.
Protein change: p.Glu1098Gly; replaces glutamic acid 1098 with glycine.
Molecular consequence: missense variant.
Genome position (GRCh38, 1-based): chr10:75,022,152, A>G. VCF-style: chr10-75022152-A-G. GRCh37 (hg19) VCF-style: chr10-76781910-A-G.
Other names: c.2744A>G, p.Glu915Gly (NM_001256468.2, NM_001370138.1); c.2417A>G, p.Glu806Gly (NM_001256469.2, NM_001370139.1, NM_001370140.1 and 2 more transcripts); c.2255A>G, p.Glu752Gly (NM_001370132.1); c.1604A>G, p.Glu535Gly (NM_001370133.1); c.1208A>G, p.Glu403Gly (NM_001370134.1); c.950A>G, p.Glu317Gly (NM_001370135.1); c.3293A>G, p.Glu1098Gly (NM_001370136.1, NM_001370137.1); c.2228A>G, p.Glu743Gly (NM_001370143.1, NM_001370144.1); and 1 more; short protein forms E1098G, E317G, E403G, E535G, E743G, E752G, E806G, E915G.
Identifiers: ClinVar variation 811719 (VCV000811719.12), dbSNP rs774138994, ClinGen allele CA5564789.